The following is an entry in ClinVar:

ClinVar aggregate classification (germline): Uncertain significance. Review status: criteria provided, multiple submitters, no conflicts (2 of 4 stars). 2 submissions from 2 submitters: Uncertain significance (2). Last evaluated 2025-08-13.

gnomAD v4.1: 57 of 1,613,806 alleles (0.0035%); highest among the groups gnomAD compares: Middle Eastern, 0.016%; no homozygotes.

Submissions (2):

Labcorp Genetics (formerly Invitae), Labcorp
Classification: Uncertain significance. Last evaluated: 2025-08-13. Review status: criteria provided, single submitter. Criteria: Invitae Variant Classification Sherloc (09022015). Collection method: clinical testing. Allele origin: germline.
Comment: This sequence change replaces arginine, which is basic and polar, with cysteine, which is neutral and slightly polar, at codon 1788 of the FBN3 protein (p.Arg1788Cys). This variant is present in population databases (rs368655625, gnomAD 0.01%). This variant has not been reported in the literature in individuals affected with FBN3-related conditions. ClinVar contains an entry for this variant (Variation ID: 3277988). Invitae Evidence Modeling of protein sequence and biophysical properties (such as structural, functional, and spatial information, amino acid conservation, physicochemical variation, residue mobility, and thermodynamic stability) indicates that this missense variant is expected to disrupt FBN3 protein function with a positive predictive value of 80%. In summary, the available evidence is currently insufficient to determine the role of this variant in disease. Therefore, it has been classified as a Variant of Uncertain Significance.

Ambry Genetics
Classification: Uncertain significance. Last evaluated: 2024-04-04. Review status: criteria provided, single submitter. Criteria: Ambry Variant Classification Scheme 2023. Collection method: clinical testing. Allele origin: germline.

NM_032447.5(FBN3):c.5362C>T (p.Arg1788Cys)

Gene: FBN3 (fibrillin 3; minus strand). Cytogenetic location: 19p13.2.
Variant type: single nucleotide variant.
Coding change: c.5362C>T on transcript NM_032447.5 (MANE Select); coding-DNA position 5362, C replaced by T.
Protein change: p.Arg1788Cys; replaces arginine 1788 with cysteine.
Molecular consequence: missense variant.
Genome position (GRCh38, 1-based): chr19:8,096,932, G>A on the plus strand (C>T on the coding strand, the complement: FBN3 is on the minus strand). VCF-style: chr19-8096932-G-A. GRCh37 (hg19) VCF-style: chr19-8161816-G-A.
Other names: c.5362C>T, p.Arg1788Cys (NM_001321431.2); short protein forms R1788C.
Identifiers: ClinVar variation 3277988 (VCV003277988.2).
Genomic context (GRCh38, chr19:8,096,932, plus strand): 5'-CCTGCTCACCCACACAAGCCCCGCCTGGCGACAGTTTGTACCCTCGGGTGCACTTGCAGC[G>A]GTAGCTACCGGGGATGTTGATGCAGTCAGCATTCTGCTGGCAGGGACTCTCCCTGCTGCC-3'
Protein context (NP_115823.3, residues 1778-1798): ADCINIPGSY[Arg1788Cys]CKCTRGYKLS